The following is an entry in ClinVar:

NM_000465.4(BARD1):c.1688G>T (p.Gly563Val)

Gene: BARD1 (BRCA1 associated RING domain 1; minus strand). Cytogenetic location: 2q35.
Variant type: single nucleotide variant.
Coding change: c.1688G>T on transcript NM_000465.4 (MANE Select); coding-DNA position 1688, G replaced by T.
Protein change: p.Gly563Val; replaces glycine 563 with valine.
Molecular consequence: missense variant. On other transcripts: non-coding transcript variant (3), intron variant (1).
Genome position (GRCh38, 1-based): chr2:214,745,844, C>A on the plus strand (G>T on the coding strand, the complement: BARD1 is on the minus strand). VCF-style: chr2-214745844-C-A. GRCh37 (hg19) VCF-style: chr2-215610568-C-A.
Other names: c.1631G>T, p.Gly544Val (NM_001282543.2); c.335G>T, p.Gly112Val (NM_001282545.2); c.278G>T, p.Gly93Val (NM_001282548.2); c.365-15336G>T (NM_001282549.2); short protein forms G112V, G544V, G563V, G93V.
Identifiers: ClinVar variation 1172028 (VCV001172028.3), dbSNP rs1693088188, ClinGen allele CA350453305.

ClinVar aggregate classification (germline): Uncertain significance (1 of 4 stars; one submission).

Conditions:
Hereditary cancer-predisposing syndrome. Also called: Tumor predisposition; Hereditary neoplastic syndrome; Hereditary Cancer Syndrome; Neoplastic Syndromes, Hereditary. Identifiers: Orphanet 140162, MedGen C0027672, MeSH D009386, MONDO:0015356.

Submission:

Color Diagnostics, LLC DBA Color Health
Classification: Uncertain significance for Hereditary cancer-predisposing syndrome. Last evaluated: 2024-03-06. Review status: criteria provided, single submitter. Criteria: ACMG Guidelines, 2015. Collection method: clinical testing. Allele origin: germline.
Comment: This missense variant replaces glycine with valine at codon 563 of the BARD1 protein. Computational prediction suggests that this variant may not impact protein structure and function (internally defined REVEL score threshold <= 0.5, PMID: 27666373). To our knowledge, functional studies have not been reported for this variant. This variant has not been reported in individuals affected with hereditary cancer in the literature. This variant has not been identified in the general population by the Genome Aggregation Database (gnomAD). The available evidence is insufficient to determine the role of this variant in disease conclusively. Therefore, this variant is classified as a Variant of Uncertain Significance.